The following is an entry in ClinVar:

NM_005859.5(PURA):c.115G>T (p.Gly39Cys)

Gene: PURA (purine rich element binding protein A; plus strand). Cytogenetic location: 5q31.3.
Variant type: single nucleotide variant.
Coding change: c.115G>T on transcript NM_005859.5 (MANE Select); coding-DNA position 115, G replaced by T.
Protein change: p.Gly39Cys; replaces glycine 39 with cysteine.
Molecular consequence: missense variant.
Genome position (GRCh38, 1-based): chr5:140,114,296, G>T. VCF-style: chr5-140114296-G-T. GRCh37 (hg19) VCF-style: chr5-139493881-G-T.
Other names: short protein forms G39C.
Identifiers: ClinVar variation 4709793 (VCV004709793.1).

ClinVar aggregate classification (germline): Likely pathogenic (1 of 4 stars; one submission).

Conditions:
PURA-related severe neonatal hypotonia-seizures-encephalopathy syndrome (NEDRIHF). Also called: PURA-Related Neurodevelopmental Disorders; NEURODEVELOPMENTAL DISORDER WITH NEONATAL RESPIRATORY INSUFFICIENCY, HYPOTONIA, AND FEEDING DIFFICULTIES. Identifiers: Orphanet 438213, Orphanet 438216, MedGen C4015357, MONDO:1060108, OMIM 616158, MONDO:0018580.

Submission:

Labcorp Genetics (formerly Invitae), Labcorp
Classification: Likely pathogenic for PURA-related severe neonatal hypotonia-seizures-encephalopathy syndrome. Last evaluated: 2025-10-22. Review status: criteria provided, single submitter. Criteria: Invitae Variant Classification Sherloc (09022015). Collection method: clinical testing. Allele origin: germline.
Comment: This sequence change replaces glycine, which is neutral and non-polar, with cysteine, which is neutral and slightly polar, at codon 39 of the PURA protein (p.Gly39Cys). This variant is not present in population databases (gnomAD no frequency). This missense change has been observed in individual(s) with clinical features of PURA syndrome (internal data). In at least one individual the variant was observed to be de novo. Invitae Evidence Modeling of protein sequence and biophysical properties (such as structural, functional, and spatial information, amino acid conservation, physicochemical variation, residue mobility, and thermodynamic stability) has been performed for this missense variant. However, the output from this modeling did not meet the statistical confidence thresholds required to predict the impact of this variant on PURA protein function. In summary, the currently available evidence indicates that the variant is pathogenic, but additional data are needed to prove that conclusively. Therefore, this variant has been classified as Likely Pathogenic.